The following is an entry in ClinVar:

ClinVar aggregate classification (germline): Uncertain significance. Review status: criteria provided, multiple submitters, no conflicts (2 of 4 stars). 2 submissions from 2 submitters: Uncertain significance (2). Last evaluated 2024-06-11.

Conditions:
Hypoparathyroidism, familial isolated, 2. Identifiers: MedGen C5394383, MONDO:0020798, OMIM 618883.
Hyperparathyroidism 4 (HRPT4). Identifiers: MedGen C4479229, MONDO:0024570, OMIM 617343.

Allele frequency attached by ClinVar (database versions not stated): gnomAD 0.00002; gnomAD exomes 0.00002; ExAC 0.00003; TOPMed 0.00003; 1000 Genomes Project 0.00020; 1000 Genomes Project 30x 0.00031.
gnomAD v4.1: 38 of 1,614,184 alleles (0.0024%); highest among the groups gnomAD compares: Admixed American, 0.018%; no homozygotes.

Submissions (2):

Fulgent Genetics
Classification: Uncertain significance for Hyperparathyroidism 4; Hypoparathyroidism, familial isolated, 2. Last evaluated: 2024-06-11. Review status: criteria provided, single submitter. Criteria: ACMG Guidelines, 2015. Collection method: clinical testing. Allele origin: germline.

Labcorp Genetics (formerly Invitae), Labcorp
Classification: Uncertain significance. Last evaluated: 2023-03-02. Review status: criteria provided, single submitter. Criteria: Invitae Variant Classification Sherloc (09022015). Collection method: clinical testing. Allele origin: germline.
Comment: This sequence change replaces arginine, which is basic and polar, with cysteine, which is neutral and slightly polar, at codon 59 of the GCM2 protein (p.Arg59Cys). This variant is present in population databases (rs536383767, gnomAD 0.02%). This missense change has been observed in individual(s) with hyperparathyroidism (PMID: 25279501). Advanced modeling of protein sequence and biophysical properties (such as structural, functional, and spatial information, amino acid conservation, physicochemical variation, residue mobility, and thermodynamic stability) performed at Invitae indicates that this missense variant is expected to disrupt GCM2 protein function. Experimental studies have shown that this missense change affects GCM2 function (PMID: 25279501). In summary, the available evidence is currently insufficient to determine the role of this variant in disease. Therefore, it has been classified as a Variant of Uncertain Significance.

Literature cited by the submitters: PubMed 25279501 (cited by Labcorp Genetics (formerly Invitae), Labcorp).

NM_004752.4(GCM2):c.175C>T (p.Arg59Cys)

Gene: GCM2 (glial cells missing transcription factor 2; minus strand). Cytogenetic location: 6p24.2.
Variant type: single nucleotide variant.
Coding change: c.175C>T on transcript NM_004752.4 (MANE Select); coding-DNA position 175, C replaced by T.
Protein change: p.Arg59Cys; replaces arginine 59 with cysteine.
Molecular consequence: missense variant.
Genome position (GRCh38, 1-based): chr6:10,877,308, G>A on the plus strand (C>T on the coding strand, the complement: GCM2 is on the minus strand). VCF-style: chr6-10877308-G-A. GRCh37 (hg19) VCF-style: chr6-10877541-G-A.
Other names: short protein forms R59C.
Identifiers: ClinVar variation 2734824 (VCV002734824.2), dbSNP rs536383767, ClinGen allele CA3634145.